The following is an entry in ClinVar:

ClinVar aggregate classification (germline): Uncertain significance (1 of 4 stars; one submission).

Conditions:
Epilepsy. Also called: Seizure disorder. Identifiers: MedGen C0014544, MeSH D004827, MONDO:0005027.

Allele frequency attached by ClinVar (database versions not stated): TOPMed 0.00002; 1000 Genomes Project 0.00020; 1000 Genomes Project 30x 0.00016.
gnomAD v4.1: 8 of 1,606,514 alleles (0.0005%); highest among the groups gnomAD compares: African/African-American, 0.008%; no homozygotes.

Submission:

Labcorp Genetics (formerly Invitae), Labcorp
Classification: Uncertain significance for Epilepsy. Last evaluated: 2022-08-05. Review status: criteria provided, single submitter. Criteria: Invitae Variant Classification Sherloc (09022015). Collection method: clinical testing. Allele origin: germline.
Comment: This sequence change replaces histidine, which is basic and polar, with glutamine, which is neutral and polar, at codon 520 of the PIGQ protein (p.His520Gln). The frequency data for this variant in the population databases is considered unreliable, as metrics indicate poor data quality at this position in the gnomAD database. This variant has not been reported in the literature in individuals affected with PIGQ-related conditions. ClinVar contains an entry for this variant (Variation ID: 1023760). Algorithms developed to predict the effect of missense changes on protein structure and function (SIFT, PolyPhen-2, Align-GVGD) all suggest that this variant is likely to be tolerated. Algorithms developed to predict the effect of sequence changes on RNA splicing suggest that this variant may create or strengthen a splice site. In summary, the available evidence is currently insufficient to determine the role of this variant in disease. Therefore, it has been classified as a Variant of Uncertain Significance.

NM_004204.5(PIGQ):c.1560C>G (p.His520Gln)

Gene: PIGQ (phosphatidylinositol glycan anchor biosynthesis class Q; plus strand). Cytogenetic location: 16p13.3.
Variant type: single nucleotide variant.
Coding change: c.1560C>G on transcript NM_004204.5 (MANE Select); coding-DNA position 1560, C replaced by G.
Protein change: p.His520Gln; replaces histidine 520 with glutamine.
Molecular consequence: missense variant. On other transcripts: intron variant (1).
Genome position (GRCh38, 1-based): chr16:582,276, C>G. VCF-style: chr16-582276-C-G. GRCh37 (hg19) VCF-style: chr16-632276-C-G.
Other names: c.1532-607C>G (NM_148920.4); short protein forms H520Q.
Identifiers: ClinVar variation 1023760 (VCV001023760.4), dbSNP rs561397217, ClinGen allele CA7780440.